The following is an entry in ClinVar:

NM_014363.6(SACS):c.6221del (p.Asp2074fs)

Gene: SACS (sacsin molecular chaperone; minus strand). Cytogenetic location: 13q12.12.
Variant type: Deletion.
Coding change: c.6221del on transcript NM_014363.6 (MANE Select); coding-DNA position 6221, one base deleted (A; older notation c.6221delA).
Protein change: p.Asp2074fs; shifts the reading frame from aspartic acid 2074.
Molecular consequence: frameshift variant.
Genome position (GRCh38, 1-based): chr13:23,337,655, T deleted on the plus strand (A on the coding strand, the reverse complement: SACS is on the minus strand). VCF-style (leftmost placement, unchanged base first): chr13-23337654-AT-A. GRCh37 (hg19) VCF-style: chr13-23911793-AT-A.
Other names: p.Asp2074Valfs*3; c.5780del, p.Asp1927fs (NM_001278055.2); short protein forms D2074fs, D1927fs.
Identifiers: ClinVar variation 371558 (VCV000371558.8), dbSNP rs1057517366, ClinGen allele CA16041628.

ClinVar aggregate classification (germline): Pathogenic/Likely pathogenic. Review status: criteria provided, multiple submitters, no conflicts (2 of 4 stars). 3 submissions from 3 submitters: Pathogenic (1); Likely pathogenic (1). 1 of the submissions does not count toward it. Last evaluated 2023-08-11.

Conditions:
Spastic paraplegia. Identifiers: MedGen C0037772, HP:0001258.
Charlevoix-Saguenay spastic ataxia (SACS). Also called: AUTOSOMAL RECESSIVE SPASTIC ATAXIA OF CHARLEVOIX-SAGUENAY; SPASTIC ATAXIA 6, AUTOSOMAL RECESSIVE; Spastic ataxia of Charlevoix-Saguenay. Identifiers: Orphanet 98, MedGen C1849140, MONDO:0010041, OMIM 270550.

Allele frequency attached by ClinVar (database versions not stated): gnomAD exomes below 0.00001.

Submissions (3):

Mayo Clinic Laboratories, Mayo Clinic
Classification: Likely pathogenic. Last evaluated: 2023-08-11. Review status: criteria provided, single submitter. Criteria: ACMG Guidelines, 2015. Collection method: clinical testing. Allele origin: germline. Observed: 1 variant allele.
Comment: PM2_moderate, PVS1_strong

Labcorp Genetics (formerly Invitae), Labcorp
Classification: Pathogenic for Spastic paraplegia. Last evaluated: 2023-01-31. Review status: criteria provided, single submitter. Criteria: Invitae Variant Classification Sherloc (09022015). Collection method: clinical testing. Allele origin: germline.
Comment: This variant disrupts a region of the SACS protein in which other variant(s) (p.Asn4549Asp) have been determined to be pathogenic (PMID: 15156359, 21507954). This suggests that this is a clinically significant region of the protein, and that variants that disrupt it are likely to be disease-causing. For these reasons, this variant has been classified as Pathogenic. ClinVar contains an entry for this variant (Variation ID: 371558). This sequence change creates a premature translational stop signal (p.Asp2074Valfs*3) in the SACS gene. While this is not anticipated to result in nonsense mediated decay, it is expected to disrupt the last 2506 amino acid(s) of the SACS protein. This variant is not present in population databases (gnomAD no frequency). This variant has not been reported in the literature in individuals affected with SACS-related conditions.

Counsyl
Classification: Likely pathogenic for Charlevoix-Saguenay spastic ataxia. Last evaluated: 2016-10-19. Review status: no assertion criteria provided. Collection method: clinical testing. Allele origin: unknown. Not counted in ClinVar's aggregate classification.

Literature cited by the submitters: PubMed 15156359 (cited by Labcorp Genetics (formerly Invitae), Labcorp); PubMed 21507954 (cited by Labcorp Genetics (formerly Invitae), Labcorp).